The following is an entry in ClinVar:

ClinVar aggregate classification (germline): Likely pathogenic (1 of 4 stars; one submission).

Conditions:
DSP-related disorder. Also called: DSP-related condition; DSP-related disorders.

Submission:

3billion
Classification: Likely pathogenic for DSP-related disorder. Last evaluated: 2025-07-03. Review status: criteria provided, single submitter. Criteria: ACMG Guidelines, 2015. Collection method: clinical testing. Allele origin: germline. Affected: yes.
Comment: The variant is not observed in the gnomAD v4.1.0 dataset. Predicted Consequence/Location: Stop-gained (nonsense): predicted to result in a loss or disruption of normal protein function through nonsense-mediated decay (NMD) or protein truncation. Multiple pathogenic variants are reported downstream of the variant. Therefore, this variant is classified as Likely pathogenic according to the recommendation of ACMG/AMP guideline.

NM_004415.4(DSP):c.1003C>T (p.Gln335Ter)

Gene: DSP (desmoplakin; plus strand). Cytogenetic location: 6p24.3.
Variant type: single nucleotide variant.
Coding change: c.1003C>T on transcript NM_004415.4 (MANE Select); coding-DNA position 1003, C replaced by T.
Protein change: p.Gln335Ter; replaces glutamine 335 with a stop codon.
Molecular consequence: nonsense.
Genome position (GRCh38, 1-based): chr6:7,566,440, C>T. VCF-style: chr6-7566440-C-T. GRCh37 (hg19) VCF-style: chr6-7566673-C-T.
Other names: c.1003C>T, p.Gln335Ter (NM_001008844.3, NM_001319034.2, NM_001406591.1); short protein forms Q335*.
Identifiers: ClinVar variation 4854801 (VCV004854801.1).
Genomic context (GRCh38, chr6:7,566,440, plus strand): 5'-CGCATGAGTCAACTGGAAGTTAAAGAAAAAGAGCTCAATAAGCTGAAACAAGAAAGTGAC[C>T]AACTTGTCCTCAATCAGCATCCAGCTTCAGACAAAATTGAGGTAGGCTTCATGAGGTTTA-3'